The following is an entry in ClinVar:

NM_144991.3(TSPEAR):c.900C>T (p.Asn300=)

Gene: TSPEAR (thrombospondin type laminin G domain and EAR repeats; minus strand). Cytogenetic location: 21q22.3.
Variant type: single nucleotide variant.
Coding change: c.900C>T on transcript NM_144991.3 (MANE Select); coding-DNA position 900, C replaced by T.
Protein change: p.Asn300=; no amino-acid change (asparagine 300 retained).
Molecular consequence: synonymous variant.
Genome position (GRCh38, 1-based): chr21:44,528,474, G>A on the plus strand (C>T on the coding strand, the complement: TSPEAR is on the minus strand). VCF-style: chr21-44528474-G-A. GRCh37 (hg19) VCF-style: chr21-45948357-G-A.
Other names: c.696C>T, p.Asn232= (NM_001272037.2).
Identifiers: ClinVar variation 504828 (VCV000504828.18), dbSNP rs139106120, ClinGen allele CA10056810.

ClinVar aggregate classification (germline): Benign/Likely benign. Review status: criteria provided, multiple submitters, no conflicts (2 of 4 stars). 5 submissions from 5 submitters: Benign (2); Likely benign (2). 1 of the submissions does not count toward it. Last evaluated 2025-11-24.

Conditions:
TSPEAR-related disorder. Also called: TSPEAR-related condition.

Allele frequency attached by ClinVar (database versions not stated): 1000 Genomes Project 30x 0.00078; 1000 Genomes Project 0.00080; ESP Exome Variant Server 0.00123; TOPMed 0.00143; gnomAD 0.00154.
gnomAD v4.1: 574 of 1,613,966 alleles (0.036%); highest among the groups gnomAD compares: African/African-American, 0.45%; 1 homozygote.

Submissions (5):

Labcorp Genetics (formerly Invitae), Labcorp
Classification: Benign. Last evaluated: 2025-11-24. Review status: criteria provided, single submitter. Criteria: Invitae Variant Classification Sherloc (09022015). Collection method: clinical testing. Allele origin: germline.

Blueprint Genetics
Classification: Likely benign. Last evaluated: 2023-12-29. Review status: criteria provided, single submitter. Criteria: ACMG Guidelines, 2015. Collection method: clinical testing. Allele origin: germline.

GeneDx
Classification: Likely benign. Last evaluated: 2021-05-15. Review status: criteria provided, single submitter. Criteria: GeneDx Variant Classification Process June 2021. Collection method: clinical testing. Allele origin: germline. Affected: yes.

Laboratory for Molecular Medicine, Mass General Brigham Personalized Medicine
Classification: Benign. Last evaluated: 2016-06-30. Review status: criteria provided, single submitter. Criteria: LMM Criteria. Collection method: clinical testing. Allele origin: germline. Observed: 1 variant allele.
Comment: p.Asn300Asn in exon 6 of TSPEAR: This variant is not expected to have clinical s ignificance because it does not alter an amino acid residue and is not located w ithin the splice consensus sequence and it has been identified in 0.5% (50/10396 ) of African chromosomes by the Exome Aggregation Consortium (ExAC.; dbSNP rs139106120).

PreventionGenetics, part of Exact Sciences
Classification: Likely benign for TSPEAR-related condition. Last evaluated: 2024-05-14. Review status: no assertion criteria provided. Collection method: clinical testing. Allele origin: germline. Not counted in ClinVar's aggregate classification.
Comment: This variant is classified as likely benign based on ACMG/AMP sequence variant interpretation guidelines (Richards et al. 2015 PMID: 25741868, with internal and published modifications).